The following is an entry in ClinVar:

ClinVar aggregate classification (germline): Uncertain significance. Review status: criteria provided, multiple submitters, no conflicts (2 of 4 stars). 2 submissions from 2 submitters: Uncertain significance (2). Last evaluated 2025-10-09.

Conditions:
Acute myeloid leukemia (AML). Also called: Leukemia, acute myeloid, somatic; Leukemia, acute myelogenous, somatic; Acute myeloid leukemia, adult; AML adult; Acute non-lymphocytic leukemia; Acute granulocytic leukemia. Identifiers: Orphanet 519, MedGen C0023467, MeSH D015470, MONDO:0018874, OMIM 601626, HP:0004808. Disease mechanism: Constitutively activated FLT3.
Inborn genetic diseases. Identifiers: MedGen C0950123, MeSH D030342.

Allele frequency attached by ClinVar (database versions not stated): TOPMed below 0.00001.

Submissions (2):

Labcorp Genetics (formerly Invitae), Labcorp
Classification: Uncertain significance for Acute myeloid leukemia. Last evaluated: 2025-10-09. Review status: criteria provided, single submitter. Criteria: Invitae Variant Classification Sherloc (09022015). Collection method: clinical testing. Allele origin: germline.
Comment: This sequence change replaces glutamic acid, which is acidic and polar, with lysine, which is basic and polar, at codon 148 of the CEBPA protein (p.Glu148Lys). The frequency data for this variant in the population databases is considered unreliable, as metrics indicate insufficient coverage at this position in the gnomAD database. This variant has not been reported in the literature in individuals affected with CEBPA-related conditions. ClinVar contains an entry for this variant (Variation ID: 1502920). Invitae Evidence Modeling of protein sequence and biophysical properties (such as structural, functional, and spatial information, amino acid conservation, physicochemical variation, residue mobility, and thermodynamic stability) indicates that this missense variant is not expected to disrupt CEBPA protein function with a negative predictive value of 80%. In summary, the available evidence is currently insufficient to determine the role of this variant in disease. Therefore, it has been classified as a Variant of Uncertain Significance.

Ambry Genetics
Classification: Uncertain significance for Inborn genetic diseases. Last evaluated: 2025-09-10. Review status: criteria provided, single submitter. Criteria: Ambry Variant Classification Scheme 2023. Collection method: clinical testing. Allele origin: germline.
Comment: The p.E148K variant (also known as c.442G>A), located in coding exon 1 of the CEBPA gene, results from a G to A substitution at nucleotide position 442. The glutamic acid at codon 148 is replaced by lysine, an amino acid with similar properties. This amino acid position is well conserved in available vertebrate species. In addition, this alteration is predicted to be tolerated by in silico analysis. Based on the available evidence, the clinical significance of this variant remains unclear.

NM_004364.5(CEBPA):c.442G>A (p.Glu148Lys)

Gene: CEBPA (CCAAT enhancer binding protein alpha; minus strand). Cytogenetic location: 19q13.11.
Variant type: single nucleotide variant.
Coding change: c.442G>A on transcript NM_004364.5 (MANE Select); coding-DNA position 442, G replaced by A.
Protein change: p.Glu148Lys; replaces glutamic acid 148 with lysine.
Molecular consequence: missense variant.
Genome position (GRCh38, 1-based): chr19:33,301,973, C>T on the plus strand (G>A on the coding strand, the complement: CEBPA is on the minus strand). VCF-style: chr19-33301973-C-T. GRCh37 (hg19) VCF-style: chr19-33792879-C-T.
Other names: c.85G>A, p.Glu29Lys (NM_001285829.2); c.547G>A, p.Glu183Lys (NM_001287424.2); c.400G>A, p.Glu134Lys (NM_001287435.2); c.442G>A (NM_004364.3); short protein forms E148K, E134K, E29K, E183K.
Identifiers: ClinVar variation 1502920 (VCV001502920.7), dbSNP rs1388478228, ClinGen allele CA405274943.